The following is an entry in ClinVar:

ClinVar aggregate classification (germline): Uncertain significance (1 of 4 stars; one submission).

Allele frequency attached by ClinVar (database versions not stated): TOPMed below 0.00001.
gnomAD v4.1: 14 of 1,613,808 alleles (0.00087%); highest among the groups gnomAD compares: Middle Eastern, 0.017%; no homozygotes.

Submission:

Ambry Genetics
Classification: Uncertain significance. Last evaluated: 2024-08-22. Review status: criteria provided, single submitter. Criteria: Ambry Variant Classification Scheme 2023. Collection method: clinical testing. Allele origin: germline.
Comment: The p.S27T variant (also known as c.80G>C), located in coding exon 1 of the TERF2IP gene, results from a G to C substitution at nucleotide position 80. The serine at codon 27 is replaced by threonine, an amino acid with similar properties. This amino acid position is conserved. In addition, this alteration is predicted to be tolerated by in silico analysis. Since supporting evidence is limited at this time, the clinical significance of this alteration remains unclear.

NM_018975.4(TERF2IP):c.80G>C (p.Ser27Thr)

Gene: TERF2IP (TERF2 interacting protein; plus strand). Cytogenetic location: 16q23.1.
Variant type: single nucleotide variant.
Coding change: c.80G>C on transcript NM_018975.4 (MANE Select); coding-DNA position 80, G replaced by C.
Protein change: p.Ser27Thr; replaces serine 27 with threonine.
Molecular consequence: missense variant. On other transcripts: non-coding transcript variant (1).
Genome position (GRCh38, 1-based): chr16:75,647,962, G>C. VCF-style: chr16-75647962-G-C. GRCh37 (hg19) VCF-style: chr16-75681860-G-C.
Other names: short protein forms S27T.
Identifiers: ClinVar variation 1761999 (VCV001761999.3), dbSNP rs768633460, ClinGen allele CA396817186.
Genomic context (GRCh38, chr16:75,647,962, plus strand): 5'-TGGGCAAAGACCCCAACGGGCCCACCCATTCCTCGACTCTGTTCGTGAGGGACGACGGCA[G>C]CTCCATGTCCTTCTACGTGCGGCCCAGCCCGGCCAAGCGTCGGCTGTCGACGCTCATCCT-3'
Protein context (NP_061848.2, residues 17-37): SSTLFVRDDG[Ser27Thr]SMSFYVRPSP